The following is an entry in ClinVar:

NM_000093.5(COL5A1):c.4504G>A (p.Asp1502Asn)

Genes: COL5A1 (collagen type V alpha 1 chain; plus strand), LOC101448202 (uncharacterized LOC101448202; minus strand). Cytogenetic location: 9q34.3.
Variant type: single nucleotide variant.
Coding change: c.4504G>A on transcript NM_000093.5 (MANE Select); coding-DNA position 4504, G replaced by A.
Protein change: p.Asp1502Asn; replaces aspartic acid 1502 with asparagine.
Molecular consequence: missense variant. On other transcripts: non-coding transcript variant (1).
Genome position (GRCh38, 1-based): chr9:134,820,173, G>A. VCF-style: chr9-134820173-G-A. GRCh37 (hg19) VCF-style: chr9-137712019-G-A.
Other names: c.4504G>A, p.Asp1502Asn (NM_001278074.1); short protein forms D1502N.
Identifiers: ClinVar variation 1017822 (VCV001017822.10), dbSNP rs1422012959, ClinGen allele CA375457839.

ClinVar aggregate classification (germline): Uncertain significance (1 of 4 stars; one submission).

Conditions:
Ehlers-Danlos syndrome, classic type, 1 (EDSCL1). Also called: EHLERS-DANLOS SYNDROME, GRAVIS TYPE; EHLERS-DANLOS SYNDROME, SEVERE CLASSIC TYPE; EDS I; Ehlers-Danlos Syndrome, Classic Type, COL5A1-Related; Ehlers-Danlos syndrome, type 1. Identifiers: MedGen C0268335, MONDO:0019567, OMIM 130000.

Allele frequency attached by ClinVar (database versions not stated): gnomAD exomes below 0.00001; TOPMed below 0.00001; gnomAD 0.00001.
gnomAD v4.1: 5 of 1,613,890 alleles (0.00031%); highest among the groups gnomAD compares: Non-Finnish European, 0.00025%; no homozygotes.

Submission:

Labcorp Genetics (formerly Invitae), Labcorp
Classification: Uncertain significance for Ehlers-Danlos syndrome, classic type, 1. Last evaluated: 2022-07-11. Review status: criteria provided, single submitter. Criteria: Invitae Variant Classification Sherloc (09022015). Collection method: clinical testing. Allele origin: germline.
Comment: This sequence change replaces aspartic acid, which is acidic and polar, with asparagine, which is neutral and polar, at codon 1502 of the COL5A1 protein (p.Asp1502Asn). This variant is not present in population databases (gnomAD no frequency). This variant has not been reported in the literature in individuals affected with COL5A1-related conditions. In summary, the available evidence is currently insufficient to determine the role of this variant in disease. Therefore, it has been classified as a Variant of Uncertain Significance. Advanced modeling of protein sequence and biophysical properties (such as structural, functional, and spatial information, amino acid conservation, physicochemical variation, residue mobility, and thermodynamic stability) performed at Invitae indicates that this missense variant is not expected to disrupt COL5A1 protein function. ClinVar contains an entry for this variant (Variation ID: 1017822).